The following is an entry in ClinVar:

ClinVar aggregate classification (germline): Uncertain significance (1 of 4 stars; one submission).

Allele frequency attached by ClinVar (database versions not stated): gnomAD 0.00001; TOPMed 0.00001.
gnomAD v4.1: 2 of 1,613,800 alleles (0.00012%); highest among the groups gnomAD compares: Non-Finnish European, 0.00017%; no homozygotes.

Submission:

Labcorp Genetics (formerly Invitae), Labcorp
Classification: Uncertain significance. Last evaluated: 2021-06-15. Review status: criteria provided, single submitter. Criteria: Invitae Variant Classification Sherloc (09022015). Collection method: clinical testing. Allele origin: germline.
Comment: Algorithms developed to predict the effect of missense changes on protein structure and function are either unavailable or do not agree on the potential impact of this missense change (SIFT: "Tolerated"; PolyPhen-2: "Probably Damaging"; Align-GVGD: "Class C0"). This sequence change replaces glycine with alanine at codon 465 of the CTR9 protein (p.Gly465Ala). The glycine residue is highly conserved and there is a small physicochemical difference between glycine and alanine. This variant is not present in population databases (ExAC no frequency). This variant has not been reported in the literature in individuals with CTR9-related conditions. In summary, the available evidence is currently insufficient to determine the role of this variant in disease. Therefore, it has been classified as a Variant of Uncertain Significance.

NM_014633.5(CTR9):c.1394G>C (p.Gly465Ala)

Genes: CTR9 (CTR9 component of Paf1/RNA polymerase II complex; plus strand), LOC126861140 (CDK7 strongly-dependent group 2 enhancer GRCh37_chr11:10785333-10786532; plus strand). Cytogenetic location: 11p15.4.
Variant type: single nucleotide variant.
Coding change: c.1394G>C on transcript NM_014633.5 (MANE Select); coding-DNA position 1394, G replaced by C.
Protein change: p.Gly465Ala; replaces glycine 465 with alanine.
Molecular consequence: missense variant.
Genome position (GRCh38, 1-based): chr11:10,764,417, G>C. VCF-style: chr11-10764417-G-C. GRCh37 (hg19) VCF-style: chr11-10785964-G-C.
Other names: c.1394G>C, p.Gly465Ala (NM_001346279.2); short protein forms G465A.
Identifiers: ClinVar variation 1449356 (VCV001449356.9), dbSNP rs768523907, ClinGen allele CA379667197.